The following is an entry in ClinVar:

ClinVar aggregate classification (germline): Uncertain significance (1 of 4 stars; one submission).

Allele frequency attached by ClinVar (database versions not stated): ExAC 0.00002; gnomAD exomes 0.00002; TOPMed 0.00002; gnomAD 0.00003.
gnomAD v4.1: 23 of 1,613,822 alleles (0.0014%); highest among the groups gnomAD compares: African/African-American, 0.011%; no homozygotes.

Submission:

Labcorp Genetics (formerly Invitae), Labcorp
Classification: Uncertain significance. Last evaluated: 2025-08-11. Review status: criteria provided, single submitter. Criteria: Invitae Variant Classification Sherloc (09022015). Collection method: clinical testing. Allele origin: germline.
Comment: This sequence change replaces arginine, which is basic and polar, with cysteine, which is neutral and slightly polar, at codon 425 of the VPS11 protein (p.Arg425Cys). This variant is present in population databases (rs782429563, gnomAD 0.003%). This variant has not been reported in the literature in individuals affected with VPS11-related conditions. ClinVar contains an entry for this variant (Variation ID: 1476386). Invitae Evidence Modeling of protein sequence and biophysical properties (such as structural, functional, and spatial information, amino acid conservation, physicochemical variation, residue mobility, and thermodynamic stability) indicates that this missense variant is expected to disrupt VPS11 protein function with a positive predictive value of 80%. In summary, the available evidence is currently insufficient to determine the role of this variant in disease. Therefore, it has been classified as a Variant of Uncertain Significance.

NM_021729.6(VPS11):c.1273C>T (p.Arg425Cys)

Gene: VPS11 (VPS11 core subunit of CORVET and HOPS complexes; plus strand). Cytogenetic location: 11q23.3.
Variant type: single nucleotide variant.
Coding change: c.1273C>T on transcript NM_021729.6 (MANE Select); coding-DNA position 1273, C replaced by T.
Protein change: p.Arg425Cys; replaces arginine 425 with cysteine.
Molecular consequence: missense variant. On other transcripts: non-coding transcript variant (8).
Genome position (GRCh38, 1-based): chr11:119,076,931, C>T. VCF-style: chr11-119076931-C-T. GRCh37 (hg19) VCF-style: chr11-118947641-C-T.
Other names: c.1243C>T, p.Arg415Cys (NM_001290185.2); c.1285C>T, p.Arg429Cys (NM_001378218.1, NM_001378219.1); c.1258C>T, p.Arg420Cys (NM_001378220.1); c.1255C>T, p.Arg419Cys (NM_001378221.1); short protein forms R425C, R429C, R419C, R420C, R415C.
Identifiers: ClinVar variation 1476386 (VCV001476386.4), dbSNP rs782429563, ClinGen allele CA6313395.
Genomic context (GRCh38, chr11:119,076,931, plus strand): 5'-GCTATCGGGTGCACATGTCTCCCTAGAACCATTGGAAAGTTGGAGCCATCCTACGTGATC[C>T]GCAAGTTTCTGGATGCCCAGCGCATTCACAACCTGACTGCCTACCTGCAGACCCTGCACC-3'
Protein context (NP_068375.3, residues 415-435): IGKLEPSYVI[Arg425Cys]KFLDAQRIHN